The following is an entry in ClinVar:

NM_006230.4(POLD2):c.566C>T (p.Pro189Leu)

Gene: POLD2 (DNA polymerase delta 2, accessory subunit; minus strand). Cytogenetic location: 7p13.
Variant type: single nucleotide variant.
Coding change: c.566C>T on transcript NM_006230.4 (MANE Select); coding-DNA position 566, C replaced by T.
Protein change: p.Pro189Leu; replaces proline 189 with leucine.
Molecular consequence: missense variant.
Genome position (GRCh38, 1-based): chr7:44,117,148, G>A on the plus strand (C>T on the coding strand, the complement: POLD2 is on the minus strand). VCF-style: chr7-44117148-G-A. GRCh37 (hg19) VCF-style: chr7-44156747-G-A.
Other names: c.566C>T, p.Pro189Leu (NM_001127218.3, NM_001256879.2); short protein forms P189L.
Identifiers: ClinVar variation 3616112 (VCV003616112.2).

ClinVar aggregate classification (germline): Uncertain significance (1 of 4 stars; one submission).

gnomAD v4.1: 1 of 1,613,722 alleles (0.000062%); highest among the groups gnomAD compares: South Asian, 0.0011%; no homozygotes.

Submission:

Labcorp Genetics (formerly Invitae), Labcorp
Classification: Uncertain significance. Last evaluated: 2024-02-20. Review status: criteria provided, single submitter. Criteria: Invitae Variant Classification Sherloc (09022015). Collection method: clinical testing. Allele origin: germline.
Comment: This sequence change replaces proline, which is neutral and non-polar, with leucine, which is neutral and non-polar, at codon 224 of the POLD2 protein (p.Pro224Leu). This variant is not present in population databases (gnomAD no frequency). This variant has not been reported in the literature in individuals affected with POLD2-related conditions. Algorithms developed to predict the effect of missense changes on protein structure and function output the following: SIFT: "Not Available"; PolyPhen-2: "Not Available"; Align-GVGD: "Not Available". The leucine amino acid residue is found in multiple mammalian species, which suggests that this missense change does not adversely affect protein function. In summary, the available evidence is currently insufficient to determine the role of this variant in disease. Therefore, it has been classified as a Variant of Uncertain Significance.